The following is an entry in ClinVar:

ClinVar aggregate classification (germline): Pathogenic. Review status: reviewed by expert panel (3 of 4 stars). 12 submissions from 12 submitters: Pathogenic (1). 11 of the submissions do not count toward it. Last evaluated 2016-09-08.

Conditions:
Hereditary cancer-predisposing syndrome. Also called: Neoplastic Syndromes, Hereditary; Tumor predisposition; Hereditary Cancer Syndrome; Hereditary neoplastic syndrome. Identifiers: Orphanet 140162, MedGen C0027672, MeSH D009386, MONDO:0015356.
Hereditary breast ovarian cancer syndrome. Also called: Hereditary breast and ovarian cancer syndrome; Hereditary breast and ovarian cancer; Hereditary breast and ovarian cancer syndrome (HBOC); Breast and ovarian cancer; Hereditary breast and/or ovarian cancer syndrome; BRCA1- and BRCA2-Associated Hereditary Breast and Ovarian Cancer. Identifiers: Orphanet 145, MedGen C0677776, MeSH D061325, MONDO:0003582. Disease mechanism: loss of function.
Familial cancer of breast. Also called: BREAST CANCER, FAMILIAL; Hereditary breast cancer; hereditary breast carcinoma. Identifiers: Orphanet 227535, MedGen C0346153, MONDO:0016419, OMIM 114480. Disease mechanism: loss of function.
Breast-ovarian cancer, familial, susceptibility to, 2 (BROVCA2). Also called: BRCA2 Hereditary Breast and Ovarian Cancer. Identifiers: Orphanet 145, MedGen C2675520, MONDO:0012933, OMIM 612555. Disease mechanism: loss of function.
BRCA2-related cancer predisposition. Identifiers: MedGen CN377758, MONDO:0700269.

Submissions (12):

Evidence-based Network for the Interpretation of Germline Mutant Alleles (ENIGMA)
Classification: Pathogenic for Breast-ovarian cancer, familial, susceptibility to, 2. Last evaluated: 2016-09-08. Review status: reviewed by expert panel. Criteria: ENIGMA BRCA1/2 Classification Criteria (2015). Collection method: curation. Allele origin: germline.
Comment: Variant allele predicted to encode a truncated non-functional protein.

Labcorp Genetics (formerly Invitae), Labcorp
Classification: Pathogenic for Hereditary breast ovarian cancer syndrome. Last evaluated: 2026-01-28. Review status: criteria provided, single submitter. Criteria: Invitae Variant Classification Sherloc (09022015). Collection method: clinical testing. Allele origin: germline. Not counted in ClinVar's aggregate classification.
Comment: This sequence change creates a premature translational stop signal (p.Lys1517Asnfs*25) in the BRCA2 gene. It is expected to result in an absent or disrupted protein product. Loss-of-function variants in BRCA2 are known to be pathogenic (PMID: 20104584). This variant is not present in population databases (gnomAD no frequency). This premature translational stop signal has been observed in individual(s) with ovarian cancer (PMID: 17688236). ClinVar contains an entry for this variant (Variation ID: 51669). For these reasons, this variant has been classified as Pathogenic.

Ambry Genetics
Classification: Pathogenic for Hereditary cancer-predisposing syndrome. Last evaluated: 2025-07-16. Review status: criteria provided, single submitter. Criteria: Ambry Variant Classification Scheme 2023. Collection method: clinical testing. Allele origin: germline. Not counted in ClinVar's aggregate classification.
Comment: The c.4551_4554delAGAA pathogenic mutation, located in coding exon 10 of the BRCA2 gene, results from a deletion of four nucleotides at positions 4551 to 4554, causing a translational frameshift with a predicted alternate stop codon (p.K1517Nfs*25). This mutation is located in the ovarian cancer cluster region of the BRCA2 gene and was reported in a family with two cases of ovarian cancer (Ramus SJ et al. Hum. Mutat. 2007 Dec; 28(12):1207-15). This variant is considered to be rare based on population cohorts in the Genome Aggregation Database (gnomAD). This alteration is expected to result in loss of function by premature protein truncation or nonsense-mediated mRNA decay. As such, this alteration is interpreted as a disease-causing mutation.

All of Us Research Program, National Institutes of Health
Classification: Pathogenic for BRCA2-related cancer predisposition. Last evaluated: 2024-07-29. Review status: criteria provided, single submitter. Criteria: ACMG Guidelines, 2015. Collection method: clinical testing. Allele origin: germline. Inheritance: Autosomal dominant inheritance. Observed: 1 variant allele, 1 heterozygote. Not counted in ClinVar's aggregate classification.
Comment: This variant deletes 4 nucleotides in exon 11 of the BRCA2 gene, creating a frameshift and premature translation stop signal. This variant is expected to result in an absent or non-functional protein product. This variant has been reported in an individual affected with familial ovarian cancer (PMID: 17688236) and in one family among the CIMBA participants (PMID: 29446198). This variant has not been identified in the general population by the Genome Aggregation Database (gnomAD). Loss of BRCA2 function is a known mechanism of disease. Based on the available evidence, this variant is classified as Pathogenic.

This study involves interpretation of variants in research participants for the purpose of population health screening. Participant phenotype was not available at the time of variant classification. Additional details can be found in publication PMID: 35346344, PMCID: PMC8962531

Color Diagnostics, LLC DBA Color Health
Classification: Pathogenic for Hereditary cancer-predisposing syndrome. Last evaluated: 2024-05-14. Review status: criteria provided, single submitter. Criteria: ACMG Guidelines, 2015. Collection method: clinical testing. Allele origin: germline. Not counted in ClinVar's aggregate classification.
Comment: This variant deletes 4 nucleotides in exon 11 of the BRCA2 gene, creating a frameshift and premature translation stop signal. This variant is expected to result in an absent or non-functional protein product. This variant has been reported in an individual affected with familial ovarian cancer (PMID: 17688236) and in one family among the CIMBA participants (PMID: 29446198). This variant has not been identified in the general population by the Genome Aggregation Database (gnomAD). Loss of BRCA2 function is a known mechanism of disease. Based on the available evidence, this variant is classified as Pathogenic.

GeneDx
Classification: Pathogenic. Last evaluated: 2023-09-20. Review status: criteria provided, single submitter. Criteria: GeneDx Variant Classification Process June 2021. Collection method: clinical testing. Allele origin: germline. Affected: yes. Not counted in ClinVar's aggregate classification.
Comment: Frameshift variant predicted to result in protein truncation or nonsense mediated decay in a gene for which loss-of-function is a known mechanism of disease; Observed in an individual with a personal and family history of ovarian cancer (Ramus et al., 2007); Not observed at significant frequency in large population cohorts (gnomAD); Truncating variants in this gene are considered pathogenic by a well-established clinical consortium and/or database; Also known as 4779_4782delAGAA; This variant is associated with the following publications: (PMID: 28152038, 29446198, 30787465, 17688236, 26295337)

Baylor Genetics
Classification: Pathogenic for Familial cancer of breast. Last evaluated: 2023-06-07. Review status: criteria provided, single submitter. Criteria: ACMG Guidelines, 2015. Collection method: clinical testing. Allele origin: unknown. Not counted in ClinVar's aggregate classification.

Women's Health and Genetics/Laboratory Corporation of America, LabCorp
Classification: Pathogenic for Hereditary breast ovarian cancer syndrome. Last evaluated: 2022-05-16. Review status: criteria provided, single submitter. Criteria: LabCorp Variant Classification Summary - May 2015. Collection method: clinical testing. Allele origin: germline. Not counted in ClinVar's aggregate classification.
Comment: Variant summary: BRCA2 c.4551_4554delAGAA (p.Lys1517AsnfsX25) results in a premature termination codon, predicted to cause a truncation of the encoded protein or absence of the protein due to nonsense mediated decay, which are commonly known mechanisms for disease. Truncations downstream of this position have been classified as pathogenic by our laboratory. The variant was absent in 250542 control chromosomes. c.4551_4554delAGAA has been reported in the literature in at least one individual with ovarian cancer and a family history of ovarian cancer (Ramus_2007, Rebbeck_2018). To our knowledge, no experimental evidence demonstrating an impact on protein function has been reported. Four clinical diagnostic laboratories and two expert panels have submitted clinical-significance assessments for this variant to ClinVar after 2014 without evidence for independent evaluation. All classified the variant as pathogenic. Based on the evidence outlined above, the variant was classified as pathogenic.

Quest Diagnostics Nichols Institute San Juan Capistrano
Classification: Pathogenic. Last evaluated: 2021-05-18. Review status: criteria provided, single submitter. Criteria: Quest Diagnostics criteria. Collection method: clinical testing. Allele origin: unknown. Not counted in ClinVar's aggregate classification.
Comment: This frameshift variant causes the premature termination of BRCA2 protein synthesis. In addition, it has been identified in individuals affected with breast/ovarian cancer in the published literature (PMID: 29446198 (2018), 17688236 (2007)). This variant has not been reported in large, multi-ethnic general populations. Based on the available information, this variant is classified as pathogenic.

Consortium of Investigators of Modifiers of BRCA1/2 (CIMBA), c/o University of Cambridge
Classification: Pathogenic for Breast-ovarian cancer, familial, susceptibility to, 2. Last evaluated: 2015-10-02. Review status: criteria provided, single submitter. Criteria: CIMBA Mutation Classification guidelines May 2016. Collection method: clinical testing. Allele origin: germline. Not counted in ClinVar's aggregate classification.

Sharing Clinical Reports Project (SCRP)
Classification: Pathogenic for Breast-ovarian cancer, familial 2. Last evaluated: 2012-05-01. Review status: no assertion criteria provided. Collection method: clinical testing. Allele origin: germline. Not counted in ClinVar's aggregate classification.

Breast Cancer Information Core (BIC) (BRCA2)
Classification: Pathogenic for Breast-ovarian cancer, familial 2. Last evaluated: 2002-05-29. Review status: no assertion criteria provided. Collection method: clinical testing. Allele origin: germline. Affected: yes. Observed: 2 variant alleles. Not counted in ClinVar's aggregate classification.

Literature cited by the submitters: PubMed 20104584 (cited by Labcorp Genetics (formerly Invitae), Labcorp); PubMed 17688236 (cited by 6 submitters); PubMed 29446198 (cited by 4 submitters); PubMed 26295337 (cited by Quest Diagnostics Nichols Institute San Juan Capistrano).

NM_000059.4(BRCA2):c.4551_4554del (p.Lys1517fs)

Gene: BRCA2 (BRCA2 DNA repair associated; plus strand). Cytogenetic location: 13q13.1.
Variant type: Deletion.
Coding change: c.4551_4554del on transcript NM_000059.4 (MANE Select); coding-DNA positions 4551 to 4554, 4 bases deleted (AGAA; older notation c.4551_4554delAGAA).
Protein change: p.Lys1517fs; shifts the reading frame from lysine 1517.
Molecular consequence: frameshift variant.
Genome position (GRCh38, 1-based): chr13:32,338,906-32,338,909, AGAA deleted; deleting any 4 consecutive bases within chr13:32,338,904-32,338,909 gives the same sequence; the c. name uses the placement nearest the transcript's 3' end. VCF-style (leftmost placement, unchanged base first): chr13-32338903-CAAAG-C. GRCh37 (hg19) VCF-style: chr13-32913040-CAAAG-C.
Other names: 4779del4; c.4551_4554delAGAA (NM_000059.3).
Identifiers: ClinVar variation 51669 (VCV000051669.30), dbSNP rs80359457, ClinGen allele CA020410.